The following is an entry in ClinVar:

ClinVar aggregate classification (germline): Uncertain significance (1 of 4 stars; one submission).

Conditions:
Glycogen storage disease IXd (GSD9D). Also called: GSD IXd; Muscle Phosphorylase Kinase Deficiency. Identifiers: Orphanet 715, MedGen C1845151, MONDO:0010362, OMIM 300559.

Submission:

Labcorp Genetics (formerly Invitae), Labcorp
Classification: Uncertain significance for Glycogen storage disease IXd. Last evaluated: 2025-07-07. Review status: criteria provided, single submitter. Criteria: Invitae Variant Classification Sherloc (09022015). Collection method: clinical testing. Allele origin: germline.
Comment: This sequence change replaces isoleucine, which is neutral and non-polar, with threonine, which is neutral and polar, at codon 1105 of the PHKA1 protein (p.Ile1105Thr). This variant is not present in population databases (gnomAD no frequency). This variant has not been reported in the literature in individuals affected with PHKA1-related conditions. An algorithm developed to predict the effect of missense changes on protein structure and function (PolyPhen-2) suggests that this variant is likely to be disruptive. In summary, the available evidence is currently insufficient to determine the role of this variant in disease. Therefore, it has been classified as a Variant of Uncertain Significance.

NM_002637.4(PHKA1):c.3314T>C (p.Ile1105Thr)

Gene: PHKA1 (phosphorylase kinase regulatory subunit alpha 1; minus strand). Cytogenetic location: Xq13.1.
Variant type: single nucleotide variant.
Coding change: c.3314T>C on transcript NM_002637.4 (MANE Select); coding-DNA position 3314, T replaced by C.
Protein change: p.Ile1105Thr; replaces isoleucine 1105 with threonine.
Molecular consequence: missense variant.
Genome position (GRCh38, 1-based): chrX:72,582,582, A>G on the plus strand (T>C on the coding strand, the complement: PHKA1 is on the minus strand). VCF-style: chrX-72582582-A-G. GRCh37 (hg19) VCF-style: chrX-71802432-A-G.
Other names: c.3275T>C, p.Ile1092Thr (NM_001122670.2, NM_001440787.1); c.3098T>C, p.Ile1033Thr (NM_001172436.2, NM_001440788.1); c.3365T>C, p.Ile1122Thr (NM_001431068.1); short protein forms I1033T, I1092T, I1105T, I1122T.
Identifiers: ClinVar variation 4804099 (VCV004804099.1).
Genomic context (GRCh38, chrX:72,582,582, plus strand): 5'-TGACGGTACTCTGGCTGAGGTACACGATTCAGGACAGACTCCACATGAACAGAGAATTTA[A>G]TCTCACCTGGAGTCATCTGTGATAGAGAAAAAGAAAATCACTTCCTAAGAGTCCATCATC-3'
Protein context (NP_002628.2, residues 1095-1115): STTREMTPGE[Ile1105Thr]KFSVHVESVL